The following is an entry in ClinVar:

ClinVar aggregate classification (germline): Uncertain significance (1 of 4 stars; one submission).

Submission:

CeGaT Center for Human Genetics Tuebingen
Classification: Uncertain significance. Last evaluated: 2026-01-01. Review status: criteria provided, single submitter. Criteria: CeGaT Center For Human Genetics Tuebingen Variant Classification Criteria Version 2. Collection method: clinical testing. Allele origin: germline. Affected: yes. Observed: 1 variant allele.
Comment: LHX4: PM2, PP3

NM_033343.4(LHX4):c.287T>C (p.Ile96Thr)

Gene: LHX4 (LIM homeobox 4; plus strand). Cytogenetic location: 1q25.2.
Variant type: single nucleotide variant.
Coding change: c.287T>C on transcript NM_033343.4 (MANE Select); coding-DNA position 287, T replaced by C.
Protein change: p.Ile96Thr; replaces isoleucine 96 with threonine.
Molecular consequence: missense variant.
Genome position (GRCh38, 1-based): chr1:180,266,430, T>C. VCF-style: chr1-180266430-T-C. GRCh37 (hg19) VCF-style: chr1-180235565-T-C.
Other names: short protein forms I96T.
Identifiers: ClinVar variation 4822518 (VCV004822518.4).